The following is an entry in ClinVar:

NM_001261.4(CDK9):c.327C>T (p.Asp109=)

Gene: CDK9 (cyclin dependent kinase 9; plus strand). Cytogenetic location: 9q34.11.
Variant type: single nucleotide variant.
Coding change: c.327C>T on transcript NM_001261.4 (MANE Select); coding-DNA position 327, C replaced by T.
Protein change: p.Asp109=; no amino-acid change (aspartic acid 109 retained).
Molecular consequence: synonymous variant.
Genome position (GRCh38, 1-based): chr9:127,788,008, C>T. VCF-style: chr9-127788008-C-T. GRCh37 (hg19) VCF-style: chr9-130550287-C-T.
Identifiers: ClinVar variation 3043552 (VCV003043552.3), dbSNP rs147693126, ClinGen allele CA5251706.
Genomic context (GRCh38, chr9:127,788,008, plus strand): 5'-TTCCCCCTATAACCGCTGCAAGGGTAGTATATACCTGGTGTTCGACTTCTGCGAGCATGA[C>T]CTTGCTGGGCTGTTGAGCAATGTTTTGGTCAAGTTCACGCTGTCTGAGATCAAGAGGGTG-3'
Protein context (NP_001252.1, residues 99-119): IYLVFDFCEH[Asp109=]LAGLLSNVLV

ClinVar aggregate classification (germline): Likely benign. Review status: criteria provided, single submitter (1 of 4 stars). 2 submissions from 2 submitters: Likely benign (1). 1 of the submissions does not count toward it. Last evaluated 2024-02-07.

Conditions:
CDK9-related disorder. Also called: CDK9-related condition.

Allele frequency attached by ClinVar (database versions not stated): ExAC 0.00008; gnomAD 0.00015; TOPMed 0.00016; ESP Exome Variant Server 0.00023; gnomAD exomes 0.00024.
gnomAD v4.1: 381 of 1,614,072 alleles (0.024%); highest among the groups gnomAD compares: Non-Finnish European, 0.03%; no homozygotes.

Submissions (2):

Blueprint Genetics
Classification: Likely benign. Last evaluated: 2024-02-07. Review status: criteria provided, single submitter. Criteria: ACMG Guidelines, 2015. Collection method: clinical testing. Allele origin: germline.

PreventionGenetics, part of Exact Sciences
Classification: Likely benign for CDK9-related condition. Last evaluated: 2019-06-24. Review status: no assertion criteria provided. Collection method: clinical testing. Allele origin: germline. Not counted in ClinVar's aggregate classification.
Comment: This variant is classified as likely benign based on ACMG/AMP sequence variant interpretation guidelines (Richards et al. 2015 PMID: 25741868, with internal and published modifications).